The following is an entry in ClinVar:

ClinVar aggregate classification (germline): Uncertain significance (1 of 4 stars; one submission).

Conditions:
Ataxia-telangiectasia syndrome (AT). Also called: LOUIS-BAR SYNDROME; AT, COMPLEMENTATION GROUP C; ATAXIA-TELANGIECTASIA, COMPLEMENTATION GROUP A; ATAXIA-TELANGIECTASIA, FRESNO VARIANT; Ataxia-telangiectasia; Cerebello-oculocutaneous telangiectasia. Identifiers: Orphanet 100, MedGen C0004135, MONDO:0008840, OMIM 208900.

Submission:

Labcorp Genetics (formerly Invitae), Labcorp
Classification: Uncertain significance for Ataxia-telangiectasia syndrome. Last evaluated: 2023-09-03. Review status: criteria provided, single submitter. Criteria: Invitae Variant Classification Sherloc (09022015). Collection method: clinical testing. Allele origin: germline.
Comment: This variant has not been reported in the literature in individuals affected with ATM-related conditions. In summary, the available evidence is currently insufficient to determine the role of this variant in disease. Therefore, it has been classified as a Variant of Uncertain Significance. An algorithm developed to predict the effect of missense changes on protein structure and function (PolyPhen-2) suggests that this variant is likely to be tolerated. This variant is not present in population databases (gnomAD no frequency). This sequence change replaces asparagine, which is neutral and polar, with aspartic acid, which is acidic and polar, at codon 405 of the ATM protein (p.Asn405Asp).

NM_000051.4(ATM):c.1213A>G (p.Asn405Asp)

Gene: ATM (ATM serine/threonine kinase; plus strand). Cytogenetic location: 11q22.3.
Variant type: single nucleotide variant.
Coding change: c.1213A>G on transcript NM_000051.4 (MANE Select); coding-DNA position 1213, A replaced by G.
Protein change: p.Asn405Asp; replaces asparagine 405 with aspartic acid.
Molecular consequence: missense variant.
Genome position (GRCh38, 1-based): chr11:108,249,080, A>G. VCF-style: chr11-108249080-A-G. GRCh37 (hg19) VCF-style: chr11-108119807-A-G.
Other names: c.1213A>G, p.Asn405Asp (NM_001351834.2); short protein forms N405D.
Identifiers: ClinVar variation 2757642 (VCV002757642.3), dbSNP rs2135295180, ClinGen allele CA382532621.